The following is an entry in ClinVar:

NM_002439.5(MSH3):c.718A>G (p.Lys240Glu)

Gene: MSH3 (mutS homolog 3; plus strand). Cytogenetic location: 5q14.1.
Variant type: single nucleotide variant.
Coding change: c.718A>G on transcript NM_002439.5 (MANE Select); coding-DNA position 718, A replaced by G.
Protein change: p.Lys240Glu; replaces lysine 240 with glutamic acid.
Molecular consequence: missense variant.
Genome position (GRCh38, 1-based): chr5:80,670,235, A>G. VCF-style: chr5-80670235-A-G. GRCh37 (hg19) VCF-style: chr5-79966054-A-G.
Other names: short protein forms K240E.
Identifiers: ClinVar variation 5024757 (VCV005024757.1).

ClinVar aggregate classification (germline): Uncertain significance (1 of 4 stars; one submission).

Conditions:
Hereditary cancer-predisposing syndrome. Also called: Neoplastic Syndromes, Hereditary; Tumor predisposition; Hereditary neoplastic syndrome; Hereditary Cancer Syndrome. Identifiers: Orphanet 140162, MedGen C0027672, MeSH D009386, MONDO:0015356.

Submission:

Ambry Genetics
Classification: Uncertain significance for Hereditary cancer-predisposing syndrome. Last evaluated: 2026-07-02. Review status: criteria provided, single submitter. Criteria: Ambry Variant Classification Scheme 2023. Collection method: clinical testing. Allele origin: germline.
Comment: The p.K240E variant (also known as c.718A>G), located in coding exon 4 of the MSH3 gene, results from an A to G substitution at nucleotide position 718. The lysine at codon 240 is replaced by glutamic acid, an amino acid with similar properties. This amino acid position is conserved. In addition, this alteration is predicted to be deleterious by in silico analysis. Based on the available evidence, the clinical significance of this variant remains unclear.